The following is an entry in ClinVar:

ClinVar aggregate classification (germline): Likely pathogenic (1 of 4 stars; one submission).

Conditions:
Glycine encephalopathy. Also called: Nonketotic hyperglycinemia; Non-ketotic hyperglycinemia. Identifiers: Orphanet 407, MedGen C0751748, MONDO:0011612, HP:0008288.

Submission:

Labcorp Genetics (formerly Invitae), Labcorp
Classification: Likely pathogenic for Glycine encephalopathy. Last evaluated: 2022-06-27. Review status: criteria provided, single submitter. Criteria: Invitae Variant Classification Sherloc (09022015). Collection method: clinical testing. Allele origin: germline.
Comment: In summary, the currently available evidence indicates that the variant is pathogenic, but additional data are needed to prove that conclusively. Therefore, this variant has been classified as Likely Pathogenic. This variant disrupts the p.Arg296 amino acid residue in AMT. Other variant(s) that disrupt this residue have been determined to be pathogenic (PMID: 12948742, 26179960, 27362913). This suggests that this residue is clinically significant, and that variants that disrupt this residue are likely to be disease-causing. Advanced modeling of protein sequence and biophysical properties (such as structural, functional, and spatial information, amino acid conservation, physicochemical variation, residue mobility, and thermodynamic stability) performed at Invitae indicates that this missense variant is expected to disrupt AMT protein function. This variant has not been reported in the literature in individuals affected with AMT-related conditions. This variant is not present in population databases (gnomAD no frequency). This sequence change replaces arginine, which is basic and polar, with glycine, which is neutral and non-polar, at codon 296 of the AMT protein (p.Arg296Gly).

Literature cited by the submitters: PubMed 12948742; PubMed 26179960; PubMed 27362913.

NM_000481.4(AMT):c.886C>G (p.Arg296Gly)

Gene: AMT (aminomethyltransferase; minus strand). Cytogenetic location: 3p21.31.
Variant type: single nucleotide variant.
Coding change: c.886C>G on transcript NM_000481.4 (MANE Select); coding-DNA position 886, C replaced by G.
Protein change: p.Arg296Gly; replaces arginine 296 with glycine.
Molecular consequence: missense variant. On other transcripts: non-coding transcript variant (1).
Genome position (GRCh38, 1-based): chr3:49,417,965, G>C on the plus strand (C>G on the coding strand, the complement: AMT is on the minus strand). VCF-style: chr3-49417965-G-C. GRCh37 (hg19) VCF-style: chr3-49455398-G-C.
Other names: c.754C>G, p.Arg252Gly (NM_001164710.2); c.718C>G, p.Arg240Gly (NM_001164711.2); c.886C>G, p.Arg296Gly (NM_001164712.2); short protein forms R240G, R296G, R252G.
Identifiers: ClinVar variation 2011355 (VCV002011355.4), dbSNP rs1056820947, ClinGen allele CA352789624.